The following is an entry in ClinVar:

NM_024408.4(NOTCH2):c.2379G>C (p.Gln793His)

Gene: NOTCH2 (notch receptor 2; minus strand). Cytogenetic location: 1p12.
Variant type: single nucleotide variant.
Coding change: c.2379G>C on transcript NM_024408.4 (MANE Select); coding-DNA position 2379, G replaced by C.
Protein change: p.Gln793His; replaces glutamine 793 with histidine.
Molecular consequence: missense variant.
Genome position (GRCh38, 1-based): chr1:119,950,824, C>G on the plus strand (G>C on the coding strand, the complement: NOTCH2 is on the minus strand). VCF-style: chr1-119950824-C-G. GRCh37 (hg19) VCF-style: chr1-120493447-C-G.
Other names: c.2379G>C, p.Gln793His (NM_001200001.2); short protein forms Q793H.
Identifiers: ClinVar variation 2744048 (VCV002744048.3), dbSNP rs2526242780, ClinGen allele CA341862267.

ClinVar aggregate classification (germline): Uncertain significance (1 of 4 stars; one submission).

Conditions:
Hajdu-Cheney syndrome (HJCYS). Also called: SERPENTINE FIBULA-POLYCYSTIC KIDNEY SYNDROME; ACROOSTEOLYSIS WITH OSTEOPOROSIS AND CHANGES IN SKULL AND MANDIBLE; Acroosteolysis dominant type. Identifiers: Orphanet 955, MedGen C0917715, MONDO:0007057, OMIM 102500.

Submission:

Labcorp Genetics (formerly Invitae), Labcorp
Classification: Uncertain significance for Hajdu-Cheney syndrome. Last evaluated: 2023-07-16. Review status: criteria provided, single submitter. Criteria: Invitae Variant Classification Sherloc (09022015). Collection method: clinical testing. Allele origin: germline.
Comment: In summary, the available evidence is currently insufficient to determine the role of this variant in disease. Therefore, it has been classified as a Variant of Uncertain Significance. Advanced modeling of protein sequence and biophysical properties (such as structural, functional, and spatial information, amino acid conservation, physicochemical variation, residue mobility, and thermodynamic stability) performed at Invitae indicates that this missense variant is not expected to disrupt NOTCH2 protein function. This variant has not been reported in the literature in individuals affected with NOTCH2-related conditions. This variant is not present in population databases (gnomAD no frequency). This sequence change replaces glutamine, which is neutral and polar, with histidine, which is basic and polar, at codon 793 of the NOTCH2 protein (p.Gln793His).